The following is an entry in ClinVar:

NM_000410.4(HFE):c.622C>A (p.Pro208Thr)

Gene: HFE (homeostatic iron regulator; plus strand). Cytogenetic location: 6p22.2.
Variant type: single nucleotide variant.
Coding change: c.622C>A on transcript NM_000410.4 (MANE Select); coding-DNA position 622, C replaced by A.
Protein change: p.Pro208Thr; replaces proline 208 with threonine.
Molecular consequence: missense variant. On other transcripts: intron variant (4).
Genome position (GRCh38, 1-based): chr6:26,092,690, C>A. VCF-style: chr6-26092690-C-A. GRCh37 (hg19) VCF-style: chr6-26092918-C-A.
Other names: c.622C>A, p.Pro208Thr (NM_001300749.3, NM_001384164.1); c.358C>A, p.Pro120Thr (NM_001406752.1, NM_139007.3); c.346C>A, p.Pro116Thr (NM_139004.3); c.553C>A, p.Pro185Thr (NM_139009.3); c.82C>A, p.Pro28Thr (NM_139010.3); c.617-37C>A (NM_139006.3); c.341-37C>A (NM_139003.3); c.353-37C>A (NM_139008.3); and 1 more; short protein forms P208T, P116T, P120T, P185T, P28T.
Identifiers: ClinVar variation 573282 (VCV000573282.9), dbSNP rs866376221, ClinGen allele CA363207545.

ClinVar aggregate classification (germline): Uncertain significance (1 of 4 stars; one submission).

Conditions:
Hereditary hemochromatosis (HFE). Identifiers: MedGen C0392514, MONDO:0006507. Disease mechanism: loss of function.

Submission:

Labcorp Genetics (formerly Invitae), Labcorp
Classification: Uncertain significance for Hereditary hemochromatosis. Last evaluated: 2018-02-07. Review status: criteria provided, single submitter. Criteria: Invitae Variant Classification Sherloc (09022015). Collection method: clinical testing. Allele origin: germline.
Comment: In summary, the available evidence is currently insufficient to determine the role of this variant in disease. Therefore, it has been classified as a Variant of Uncertain Significance. Algorithms developed to predict the effect of missense changes on protein structure and function output the following: SIFT: "Tolerated"; PolyPhen-2: "Benign"; Align-GVGD: "Class C0". The threonine amino acid residue is found in multiple mammalian species, suggesting that this missense change does not adversely affect protein function. These predictions have not been confirmed by published functional studies and their clinical significance is uncertain. This variant has not been reported in the literature in individuals with HFE-related disease. This variant is not present in population databases (ExAC no frequency). This sequence change replaces proline with threonine at codon 208 of the HFE protein (p.Pro208Thr). The proline residue is highly conserved and there is a small physicochemical difference between proline and threonine.